The following is an entry in ClinVar:

NC_000011.10:g.(?_108294917)_(108295069_?)dup

Gene: ATM (ATM serine/threonine kinase; plus strand). Cytogenetic location: 11q22.3.
Variant type: Duplication.
Identifiers: ClinVar variation 832192 (VCV000832192.5).

ClinVar aggregate classification (germline): Likely pathogenic (1 of 4 stars; one submission).

Conditions:
Ataxia-telangiectasia syndrome (AT). Also called: Ataxia-telangiectasia, complementation group E; Ataxia telangiectasia (A-T); LOUIS-BAR SYNDROME; Ataxia-telangiectasia, complementation group D; AT, COMPLEMENTATION GROUP C; Ataxia-telangiectasia. Identifiers: Orphanet 100, MedGen C0004135, MONDO:0008840, OMIM 208900.

Submission:

Labcorp Genetics (formerly Invitae), Labcorp
Classification: Likely pathogenic for Ataxia-telangiectasia syndrome. Last evaluated: 2019-10-31. Review status: criteria provided, single submitter. Criteria: Invitae Variant Classification Sherloc (09022015). Collection method: clinical testing. Allele origin: germline.
Comment: In summary, the currently available evidence indicates that the variant is pathogenic, but additional data are needed to prove that conclusively. Therefore, this variant has been classified as Likely Pathogenic. Loss-of-function variants in ATM are known to be pathogenic (PMID: 23807571, 25614872). This variant has not been reported in the literature in individuals with ATM-related conditions. This variant results in a copy number gain of the genomic region encompassing exons 32 of the ATM gene. While the exact position of this variant cannot be determined from this data, sub-genic copy number gains are generally in tandem (PMID: 25640679) and may result in an absent or disrupted protein product.

Literature cited by the submitters: PubMed 23807571; PubMed 25614872; PubMed 25640679.